The following is an entry in ClinVar:

NM_001127222.2(CACNA1A):c.4714A>G (p.Met1572Val)

Gene: CACNA1A (calcium voltage-gated channel subunit alpha1 A; minus strand). Cytogenetic location: 19p13.13.
Variant type: single nucleotide variant.
Coding change: c.4714A>G on transcript NM_001127222.2 (MANE Select); coding-DNA position 4714, A replaced by G.
Protein change: p.Met1572Val; replaces methionine 1572 with valine.
Molecular consequence: missense variant.
Genome position (GRCh38, 1-based): chr19:13,255,136, T>C on the plus strand (A>G on the coding strand, the complement: CACNA1A is on the minus strand). VCF-style: chr19-13255136-T-C. GRCh37 (hg19) VCF-style: chr19-13365950-T-C.
Other names: c.4726A>G, p.Met1576Val (NM_000068.4, NM_023035.3); c.4717A>G, p.Met1573Val (NM_001127221.2, NM_001174080.2); short protein forms M1576V, M1572V, M1573V.
Identifiers: ClinVar variation 945690 (VCV000945690.38), dbSNP rs2056510928, ClinGen allele CA404338409.
Genomic context (GRCh38, chr19:13,255,136, plus strand): 5'-GCTGGTGTGGGGCACTTACCTTCATCATAAGCACGATGGTGTTGAGGGCGATCATGGCCA[T>C]GATCGTGTACTCGAAAGGCGGAGACACCACGAACTGCCACATGCGGTACTGGAAGCTCTG-3'
Protein context (NP_001120694.1, residues 1562-1582): VVSPPFEYTI[Met1572Val]AMIALNTIVL

ClinVar aggregate classification (germline): Conflicting classifications of pathogenicity. Review status: criteria provided, conflicting classifications (1 of 4 stars). 4 submissions from 4 submitters: Likely pathogenic (1); Uncertain significance (3). Last evaluated 2026-04-01.

Conditions:
Episodic ataxia type 2 (EA2). Also called: ACETAZOLAMIDE-RESPONSIVE HEREDITARY PAROXYSMAL CEREBELLAR ATAXIA; EPISODIC ATAXIA, NYSTAGMUS-ASSOCIATED; ATAXIA, EPISODIC, WITH NYSTAGMUS; ATAXIA, FAMILIAL PAROXYSMAL; CEREBELLAR ATAXIA, PAROXYSMAL, ACETAZOLAMIDE-RESPONSIVE; CEREBELLOPATHY, HEREDITARY PAROXYSMAL. Identifiers: Orphanet 97, MedGen C1720416, MONDO:0007163, OMIM 108500.
Developmental and epileptic encephalopathy, 42 (DEE42A). Also called: DEVELOPMENTAL AND EPILEPTIC ENCEPHALOPATHY 42A; EPILEPTIC ENCEPHALOPATHY, EARLY INFANTILE, 42A; Epileptic encephalopathy, early infantile, 42. Identifiers: MedGen C4310716, MONDO:0014917, OMIM 617106.

Submissions (4):

CeGaT Center for Human Genetics Tuebingen
Classification: Uncertain significance. Last evaluated: 2026-04-01. Review status: criteria provided, single submitter. Criteria: CeGaT Center For Human Genetics Tuebingen Variant Classification Criteria Version 2. Collection method: clinical testing. Allele origin: germline. Affected: yes. Observed: 1 variant allele.
Comment: CACNA1A: PM2, PP2, PP3, PP4

GeneDx
Classification: Uncertain significance. Last evaluated: 2024-09-12. Review status: criteria provided, single submitter. Criteria: GeneDx Variant Classification Process June 2021. Collection method: clinical testing. Allele origin: germline. Affected: yes.
Comment: Not observed in large population cohorts (gnomAD); In silico analysis, which includes protein predictors and evolutionary conservation, supports a deleterious effect; Has not been previously published as pathogenic or benign to our knowledge

Mendelics
Classification: Likely pathogenic for Episodic ataxia type 2. Last evaluated: 2022-05-04. Review status: criteria provided, single submitter. Criteria: Mendelics Assertion Criteria 2019. Collection method: clinical testing. Allele origin: germline.

Labcorp Genetics (formerly Invitae), Labcorp
Classification: Uncertain significance for Developmental and epileptic encephalopathy, 42; Episodic ataxia type 2. Last evaluated: 2021-04-11. Review status: criteria provided, single submitter. Criteria: Invitae Variant Classification Sherloc (09022015). Collection method: clinical testing. Allele origin: germline.
Comment: In summary, the available evidence is currently insufficient to determine the role of this variant in disease. Therefore, it has been classified as a Variant of Uncertain Significance. Algorithms developed to predict the effect of missense changes on protein structure and function are either unavailable or do not agree on the potential impact of this missense change (SIFT: "Deleterious"; PolyPhen-2: "Probably Damaging"; Align-GVGD: "Class C15"). This variant has not been reported in the literature in individuals with CACNA1A-related conditions. This variant is not present in population databases (ExAC no frequency). This sequence change replaces methionine with valine at codon 1573 of the CACNA1A protein (p.Met1573Val). The methionine residue is highly conserved and there is a small physicochemical difference between methionine and valine.